The following is an entry in ClinVar:

ClinVar aggregate classification (germline): Conflicting classifications of pathogenicity. Review status: criteria provided, conflicting classifications (1 of 4 stars). 2 submissions from 2 submitters: Uncertain significance (1); Likely benign (1). Last evaluated 2021-06-17.

Conditions:
Hereditary cancer-predisposing syndrome. Also called: Neoplastic Syndromes, Hereditary; Tumor predisposition; Hereditary Cancer Syndrome; Hereditary neoplastic syndrome. Identifiers: Orphanet 140162, MedGen C0027672, MeSH D009386, MONDO:0015356.
Peutz-Jeghers syndrome (PJS). Also called: Peutz-Jeghers polyposis; Periorificial lentiginosis syndrome; POLYPOSIS, HAMARTOMATOUS INTESTINAL; POLYPS-AND-SPOTS SYNDROME. Identifiers: Orphanet 2869, MedGen C0031269, MeSH D010580, MONDO:0008280, OMIM 175200.

Submissions (2):

Labcorp Genetics (formerly Invitae), Labcorp
Classification: Likely benign for Peutz-Jeghers syndrome. Last evaluated: 2021-06-17. Review status: criteria provided, single submitter. Criteria: Invitae Variant Classification Sherloc (09022015). Collection method: clinical testing. Allele origin: germline.

Ambry Genetics
Classification: Uncertain significance for Hereditary cancer-predisposing syndrome. Last evaluated: 2014-10-20. Review status: criteria provided, single submitter. Criteria: Ambry Variant Classification Scheme 2023. Collection method: clinical testing. Allele origin: germline.
Comment: The c.1109-16G>A intronic alteration consists of a G to A substitution 16 nucleotides before coding exon 9 in the STK11 gene. Based on insufficient or conflicting evidence, the clinical significance of this alteration remains unclear.

NM_000455.5(STK11):c.1109-16G>A

Gene: STK11 (serine/threonine kinase 11; plus strand). Cytogenetic location: 19p13.3.
Variant type: single nucleotide variant.
Coding change: c.1109-16G>A on transcript NM_000455.5 (MANE Select); 16 bases into the intron before coding-DNA position 1109, G replaced by A.
Molecular consequence: intron variant.
Genome position (GRCh38, 1-based): chr19:1,226,438, G>A. VCF-style: chr19-1226438-G-A. GRCh37 (hg19) VCF-style: chr19-1226437-G-A.
Other names: c.1109-16G>A (NM_000455.4).
Identifiers: ClinVar variation 1566749 (VCV001566749.9), dbSNP rs2145435730, ClinGen allele CA2573155781.
Genomic context (GRCh38, chr19:1,226,438, plus strand): 5'-GTGGGGGCCAGCCAGGTCCCTGTGGCTCTGGGGTTGCGCCCCTCAGCTCAGGCCACACTT[G>A]CCGTCTCCCTCCCAGGACAGGTCCCAGAAGAGGAGGCCAGTCACAATGGACAGCGCCGGG-3'